The following is an entry in ClinVar:

ClinVar aggregate classification (germline): Pathogenic (1 of 4 stars; one submission).

Conditions:
Familial intrahepatic cholestasis. Identifiers: Orphanet 284385, MedGen CN296401, MONDO:0017290.

Submission:

Genomenon, Inc
Classification: Pathogenic for Familial intrahepatic cholestasis. Last evaluated: 2026-04-14. Review status: criteria provided, single submitter. Criteria: Genomenon Sequence Variant Interpretation Standards - Updated. Collection method: curation. Allele origin: germline. Affected: yes.
Comment: ABCB11 p.Cys475Ter (c.1425T>A) is a nonsense variant that introduces a premature stop codon at amino acid position 475, creating a truncated protein that is predicted to undergo nonsense-mediated mRNA decay. This variant has been observed in at least one proband with an ABCB11-related disorder (PMID:27932171). It is absent or not present at a significant frequency in gnomAD. In conclusion, we classify ABCB11 p.Cys475Ter (c.1425T>A) as a pathogenic variant.

Literature cited by the submitters: PubMed 27932171.

NM_003742.4(ABCB11):c.1425T>A (p.Cys475Ter)

Gene: ABCB11 (ATP binding cassette subfamily B member 11; minus strand). Cytogenetic location: 2q31.1.
Variant type: single nucleotide variant.
Coding change: c.1425T>A on transcript NM_003742.4 (MANE Select); coding-DNA position 1425, T replaced by A.
Protein change: p.Cys475Ter; replaces cysteine 475 with a stop codon.
Molecular consequence: nonsense.
Genome position (GRCh38, 1-based): chr2:168,973,724, A>T on the plus strand (T>A on the coding strand, the complement: ABCB11 is on the minus strand). VCF-style: chr2-168973724-A-T. GRCh37 (hg19) VCF-style: chr2-169830234-A-T.
Other names: short protein forms C475*.
Identifiers: ClinVar variation 4845960 (VCV004845960.1).